The following is an entry in ClinVar:

ClinVar aggregate classification (germline): Benign/Likely benign. Review status: criteria provided, multiple submitters, no conflicts (2 of 4 stars). 3 submissions from 3 submitters: Benign (1); Likely benign (2). Last evaluated 2025-01-30.

Conditions:
Hereditary nonpolyposis colorectal neoplasms. Identifiers: MedGen C0009405, MeSH D003123.
Hereditary cancer-predisposing syndrome. Also called: Neoplastic Syndromes, Hereditary; Hereditary neoplastic syndrome; Tumor predisposition; Hereditary Cancer Syndrome. Identifiers: Orphanet 140162, MedGen C0027672, MeSH D009386, MONDO:0015356.
Lynch syndrome 4 (LYNCH4). Also called: Hereditary non-polyposis colorectal cancer, type 4; Colorectal cancer, hereditary nonpolyposis, type 4. Identifiers: Orphanet 144, MedGen C1838333, MONDO:0013699, OMIM 614337. Disease mechanism: loss of function.

Submissions (3):

Myriad Genetics, Inc.
Classification: Benign for Lynch syndrome 4. Last evaluated: 2025-01-30. Review status: criteria provided, single submitter. Criteria: Myriad Autosomal Dominant, Autosomal Recessive and X-Linked Classification Criteria (2023). Collection method: clinical testing. Allele origin: unknown.
Comment: This variant is considered benign. This variant is a silent/synonymous amino acid change and it is not expected to impact splicing.

Labcorp Genetics (formerly Invitae), Labcorp
Classification: Likely benign for Hereditary nonpolyposis colorectal neoplasms. Last evaluated: 2024-01-19. Review status: criteria provided, single submitter. Criteria: Invitae Variant Classification Sherloc (09022015). Collection method: clinical testing. Allele origin: germline.

Color Diagnostics, LLC DBA Color Health
Classification: Likely benign for Hereditary cancer-predisposing syndrome. Last evaluated: 2019-12-13. Review status: criteria provided, single submitter. Criteria: ACMG Guidelines, 2015. Collection method: clinical testing. Allele origin: germline.

NM_000535.7(PMS2):c.1326A>G (p.Pro442=)

Gene: PMS2 (PMS1 homolog 2, mismatch repair system component; minus strand). Cytogenetic location: 7p22.1.
Variant type: single nucleotide variant.
Coding change: c.1326A>G on transcript NM_000535.7 (MANE Select); coding-DNA position 1326, A replaced by G.
Protein change: p.Pro442=; no amino-acid change (proline 442 retained).
Molecular consequence: synonymous variant. On other transcripts: non-coding transcript variant (1).
Genome position (GRCh38, 1-based): chr7:5,987,439, T>C on the plus strand (A>G on the coding strand, the complement: PMS2 is on the minus strand). VCF-style: chr7-5987439-T-C. GRCh37 (hg19) VCF-style: chr7-6027070-T-C.
Other names: c.921A>G, p.Pro307= (NM_001322003.2, NM_001322004.2, NM_001322005.2 and 1 more transcripts); c.1170A>G, p.Pro390= (NM_001322006.2); c.1008A>G, p.Pro336= (NM_001322007.2, NM_001322008.2); c.765A>G, p.Pro255= (NM_001322010.2); c.393A>G, p.Pro131= (NM_001322011.2, NM_001322012.2); c.753A>G, p.Pro251= (NM_001322013.2); c.1326A>G, p.Pro442= (NM_001322014.2); c.1017A>G, p.Pro339= (NM_001322015.2).
Identifiers: ClinVar variation 237884 (VCV000237884.15), dbSNP rs878854034, ClinGen allele CA10582511.